The following is an entry in ClinVar:

NM_152419.3(HGSNAT):c.*477G>A

Gene: HGSNAT (heparan-alpha-glucosaminide N-acetyltransferase; plus strand). Cytogenetic location: 8p11.1.
Variant type: single nucleotide variant.
Coding change: c.*477G>A on transcript NM_152419.3 (MANE Select); 477 bases downstream of the stop codon, G replaced by A.
Molecular consequence: 3 prime UTR variant.
Genome position (GRCh38, 1-based): chr8:43,200,046, G>A. VCF-style: chr8-43200046-G-A. GRCh37 (hg19) VCF-style: chr8-43055189-G-A.
Other names: c.*477G>A (NM_001363227.2, NM_001363228.2, NM_001363229.2).
Identifiers: ClinVar variation 908762 (VCV000908762.4), dbSNP rs76878005, ClinGen allele CA15550037.

ClinVar aggregate classification (germline): Benign (1 of 4 stars; one submission).

Conditions:
Mucopolysaccharidosis, MPS-III-C (MPS3C). Also called: mucopolysaccharidosis type 3C; MUCOPOLYSACCHARIDOSIS, TYPE IIIC; SANFILIPPO SYNDROME C; MPS III C; Mucopolysaccharidosis type IIIC (Sanfilippo C); MPS IIIC (Sanfilippo Syndrome Type C). Identifiers: Orphanet 581, Orphanet 79271, MedGen C0086649, MONDO:0009657, OMIM 252930.

Allele frequency attached by ClinVar (database versions not stated): TOPMed 0.00605; gnomAD 0.00567 and 0.00528; 1000 Genomes Project 0.00659; 1000 Genomes Project 30x 0.00578.

Submission:

Illumina Laboratory Services, Illumina
Classification: Benign for Mucopolysaccharidosis, MPS-III-C. Last evaluated: 2017-04-27. Review status: criteria provided, single submitter. Criteria: ICSL Variant Classification Criteria 13 December 2019. Collection method: clinical testing. Allele origin: germline.
Comment: This variant was observed as part of a predisposition screen in an ostensibly healthy population. A literature search was performed for the gene, cDNA change, and amino acid change (where applicable). No publications were found based on this search. Allele frequency data from public databases was too high to be consistent with this variant causing disease. Therefore, this variant is classified as benign.